The following is an entry in ClinVar:

NM_000023.4(SGCA):c.747+1G>A

Gene: SGCA (sarcoglycan alpha; plus strand). Cytogenetic location: 17q21.33.
Variant type: single nucleotide variant.
Coding change: c.747+1G>A on transcript NM_000023.4 (MANE Select); the canonical splice donor site of the intron after coding-DNA position 747, G replaced by A.
Molecular consequence: splice donor variant. On other transcripts: intron variant (1).
Genome position (GRCh38, 1-based): chr17:50,169,255, G>A. VCF-style: chr17-50169255-G-A. GRCh37 (hg19) VCF-style: chr17-48246616-G-A.
Other names: c.584+683G>A (NM_001135697.3).
Identifiers: ClinVar variation 286436 (VCV000286436.13), dbSNP rs886043392, ClinGen allele CA10605463.

ClinVar aggregate classification (germline): Pathogenic/Likely pathogenic. Review status: criteria provided, multiple submitters, no conflicts (2 of 4 stars). 4 submissions from 4 submitters: Pathogenic (2); Likely pathogenic (2). Last evaluated 2023-08-08.

Conditions:
Autosomal recessive limb-girdle muscular dystrophy type 2D (LGMDR3). Also called: DUCHENNE-LIKE AUTOSOMAL RECESSIVE MUSCULAR DYSTROPHY, TYPE 2; MUSCULAR DYSTROPHY, LIMB-GIRDLE, AUTOSOMAL RECESSIVE 3; ADHALINOPATHY, PRIMARY. Identifiers: Orphanet 62, MedGen C2936332, MONDO:0011968, OMIM 608099. Disease mechanism: Affects gamma-sarcoglycan and also disrupts the integrity of the entire sarcoglycan complex..

Submissions (4):

Baylor Genetics
Classification: Likely pathogenic for Autosomal recessive limb-girdle muscular dystrophy type 2D. Last evaluated: 2023-08-08. Review status: criteria provided, single submitter. Criteria: ACMG Guidelines, 2015. Collection method: clinical testing. Allele origin: unknown.

Genome-Nilou Lab
Classification: Pathogenic for Autosomal recessive limb-girdle muscular dystrophy type 2D. Last evaluated: 2023-02-08. Review status: criteria provided, single submitter. Criteria: ACMG Guidelines, 2015. Collection method: clinical testing. Allele origin: germline.

Labcorp Genetics (formerly Invitae), Labcorp
Classification: Likely pathogenic for Autosomal recessive limb-girdle muscular dystrophy type 2D. Last evaluated: 2022-04-16. Review status: criteria provided, single submitter. Criteria: Invitae Variant Classification Sherloc (09022015). Collection method: clinical testing. Allele origin: germline.
Comment: In summary, the currently available evidence indicates that the variant is pathogenic, but additional data are needed to prove that conclusively. Therefore, this variant has been classified as Likely Pathogenic. Algorithms developed to predict the effect of sequence changes on RNA splicing suggest that this variant may disrupt the consensus splice site. ClinVar contains an entry for this variant (Variation ID: 286436). This variant has not been reported in the literature in individuals affected with SGCA-related conditions. This variant is not present in population databases (gnomAD no frequency). This sequence change affects a donor splice site in intron 6 of the SGCA gene. It is expected to disrupt RNA splicing. Variants that disrupt the donor or acceptor splice site typically lead to a loss of protein function (PMID: 16199547), and loss-of-function variants in SGCA are known to be pathogenic (PMID: 9192266).

Eurofins Ntd Llc (ga)
Classification: Pathogenic. Last evaluated: 2016-03-03. Review status: criteria provided, single submitter. Criteria: EGL Classification Definitions 2015. Collection method: clinical testing. Allele origin: germline. Observed: 1 variant allele, 1 heterozygote.

Literature cited by the submitters: PubMed 16199547 (cited by Labcorp Genetics (formerly Invitae), Labcorp); PubMed 9192266 (cited by Labcorp Genetics (formerly Invitae), Labcorp).